The following is an entry in ClinVar:

NM_001165963.4(SCN1A):c.4338+4A>C

Genes: SCN1A (sodium voltage-gated channel alpha subunit 1; minus strand), LOC102724058 (uncharacterized LOC102724058; plus strand). Cytogenetic location: 2q24.3.
Variant type: single nucleotide variant.
Coding change: c.4338+4A>C on transcript NM_001165963.4 (MANE Select); 4 bases into the intron after coding-DNA position 4338, A replaced by C.
Molecular consequence: intron variant.
Genome position (GRCh38, 1-based): chr2:165,999,719, T>G on the plus strand (A>C on the coding strand, the complement: SCN1A is on the minus strand). VCF-style: chr2-165999719-T-G. GRCh37 (hg19) VCF-style: chr2-166856229-T-G.
Other names: c.4305+4A>C (NM_001353949.2, NM_001353950.2, NM_001353951.2 and 2 more transcripts); c.4254+4A>C (NM_001353958.2, NM_001353957.2, NM_001165964.3); c.4338+4A>C (NM_001202435.3, NM_001353948.2); c.4302+4A>C (NM_001353955.2, NM_001353954.2); c.4251+4A>C (NM_001353960.2); c.1896+4A>C (NM_001353961.2).
Identifiers: ClinVar variation 189890 (VCV000189890.1), dbSNP rs794726734, ClinGen allele CA303222.

ClinVar aggregate classification (germline): Pathogenic (1 of 4 stars; one submission).

Conditions:
Severe myoclonic epilepsy in infancy (DRVT). Also called: Epileptic encephalopathy, early infantile, 6 (Dravet syndrome); SEVERE MYOCLONIC EPILEPSY OF INFANCY; DEVELOPMENTAL AND EPILEPTIC ENCEPHALOPATHY 6A; Severe Myoclonic Epilepsy in Infancy (SMEI); Dravet syndrome. Identifiers: Orphanet 33069, MedGen C0751122, MONDO:0100135, OMIM 607208.

Submission:

Center for Bioinformatics, Peking University
Classification: Pathogenic for Dravet syndrome. Last evaluated: 2014-12-20. Review status: criteria provided, single submitter. Criteria: Xu et al. (Hum Mutat. 2015). Collection method: research. Allele origin: de novo. Affected: yes. Observed: 1 variant allele. Study: University Clinical Cooperation “985 Project” PKU-2014-1-1.
Comment: Dravet syndrome (DS) probands were recruited from the outpatient and inpatient child neurology units of Peking University First Hospital from 2005 till present. The study was approved by the Ethics Committee of Peking University First Hospital and the Institutional Review Board at Peking University. Participants or their parents provided written informed consent before enrollment. We collected a total of 267 mutations from 255 families with probands diagnosed with DS in China. All probands fulfilled the clinical diagnostic criteria.